The following is an entry in ClinVar:

ClinVar aggregate classification (germline): Uncertain significance (1 of 4 stars; one submission).

Conditions:
NCOA1-related disorder. Also called: NCOA1-related condition.

gnomAD v4.1: 2 of 1,614,038 alleles (0.00012%); highest among the groups gnomAD compares: African/African-American, 0.0013%; no homozygotes.

Submission:

PreventionGenetics, part of Exact Sciences
Classification: Uncertain significance for NCOA1-related condition. Last evaluated: 2025-08-17. Review status: criteria provided, single submitter. Criteria: ACMG Guidelines, 2015. Collection method: clinical testing. Allele origin: germline.
Comment: The NCOA1 c.4109A>G variant is predicted to result in the amino acid substitution p.Gln1370Arg. To our knowledge, this variant has not been reported in the literature or in a large population database (gnomAD), indicating this variant is rare. At this time, the clinical significance of this variant is uncertain due to the absence of conclusive functional and genetic evidence.

NM_003743.5(NCOA1):c.4109A>G (p.Gln1370Arg)

Gene: NCOA1 (nuclear receptor coactivator 1; plus strand). Cytogenetic location: 2p23.3.
Variant type: single nucleotide variant.
Coding change: c.4109A>G on transcript NM_003743.5 (MANE Select); coding-DNA position 4109, A replaced by G.
Protein change: p.Gln1370Arg; replaces glutamine 1370 with arginine.
Molecular consequence: missense variant.
Genome position (GRCh38, 1-based): chr2:24,762,730, A>G. VCF-style: chr2-24762730-A-G. GRCh37 (hg19) VCF-style: chr2-24985599-A-G.
Other names: c.4109A>G, p.Gln1370Arg (NM_001362950.1, NM_001362952.1, NM_001362954.1 and 3 more transcripts); short protein forms Q1370R.
Identifiers: ClinVar variation 4985434 (VCV004985434.1).